The following is an entry in ClinVar:

NM_000268.4(NF2):c.1703G>C (p.Arg568Thr)

Gene: NF2 (NF2, moesin-ezrin-radixin like (MERLIN) tumor suppressor; plus strand). Cytogenetic location: 22q12.2.
Variant type: single nucleotide variant.
Coding change: c.1703G>C on transcript NM_000268.4 (MANE Select); coding-DNA position 1703, G replaced by C.
Protein change: p.Arg568Thr; replaces arginine 568 with threonine.
Molecular consequence: missense variant. On other transcripts: intron variant (3).
Genome position (GRCh38, 1-based): chr22:29,681,567, G>C. VCF-style: chr22-29681567-G-C. GRCh37 (hg19) VCF-style: chr22-30077556-G-C.
Other names: c.1589G>C, p.Arg530Thr (NM_001407053.1, NM_001407056.1); c.1580G>C, p.Arg527Thr (NM_001407054.1, NM_001407058.1, NM_181829.3); c.1577G>C, p.Arg526Thr (NM_001407055.1, NM_181828.3); c.1568G>C, p.Arg523Thr (NM_001407057.1, NM_001407059.1); c.1445G>C, p.Arg482Thr (NM_001407062.1); c.1454G>C, p.Arg485Thr (NM_001407063.1, NM_181830.3, NM_181831.3); c.1169G>C, p.Arg390Thr (NM_001407065.1); c.1703G>C, p.Arg568Thr (NM_001407066.1, NM_016418.5, NM_181825.3 and 1 more transcripts); and 4 more; short protein forms R390T, R482T, R523T, R491T, R527T, R526T, R530T, R568T.
Identifiers: ClinVar variation 4661361 (VCV004661361.1).

ClinVar aggregate classification (germline): Uncertain significance (1 of 4 stars; one submission).

Conditions:
Hereditary cancer-predisposing syndrome. Also called: Neoplastic Syndromes, Hereditary; Tumor predisposition; Hereditary Cancer Syndrome; Hereditary neoplastic syndrome. Identifiers: Orphanet 140162, MedGen C0027672, MeSH D009386, MONDO:0015356.

Submission:

Ambry Genetics
Classification: Uncertain significance for Hereditary cancer-predisposing syndrome. Last evaluated: 2025-10-03. Review status: criteria provided, single submitter. Criteria: Ambry Variant Classification Scheme 2023. Collection method: clinical testing. Allele origin: germline.
Comment: The p.R568T variant (also known as c.1703G>C), located in coding exon 15 of the NF2 gene, results from a G to C substitution at nucleotide position 1703. The arginine at codon 568 is replaced by threonine, an amino acid with similar properties. This amino acid position is conserved. In addition, the in silico prediction for this alteration is inconclusive. Based on the available evidence, the clinical significance of this variant remains unclear.